The following is an entry in ClinVar:

NM_004004.6(GJB2):c.50C>T (p.Ser17Phe)

Gene: GJB2 (gap junction protein beta 2; minus strand). Cytogenetic location: 13q12.11.
Variant type: single nucleotide variant.
Coding change: c.50C>T on transcript NM_004004.6 (MANE Select); coding-DNA position 50, C replaced by T.
Protein change: p.Ser17Phe; replaces serine 17 with phenylalanine.
Molecular consequence: missense variant.
Genome position (GRCh38, 1-based): chr13:20,189,532, G>A on the plus strand (C>T on the coding strand, the complement: GJB2 is on the minus strand). VCF-style: chr13-20189532-G-A. GRCh37 (hg19) VCF-style: chr13-20763671-G-A.
Other names: c.50C>T (NM_004004.5); short protein forms S17F.
Identifiers: ClinVar variation 17022 (VCV000017022.4), dbSNP rs28929485, ClinGen allele CA127029.

ClinVar aggregate classification (germline): Pathogenic. Review status: criteria provided, multiple submitters, no conflicts (2 of 4 stars). 3 submissions from 3 submitters: Pathogenic (2). 1 of the submissions does not count toward it. Last evaluated 2025-07-17.

Conditions:
GJB2-related disorder. Also called: GJB2-related condition; GJB2-related disorders. Identifiers: MedGen CN382183, MONDO:1060236.
Autosomal dominant keratitis-ichthyosis-hearing loss syndrome. Also called: HID SYNDROME; KID SYNDROME, AUTOSOMAL DOMINANT; Senter syndrome. Identifiers: Orphanet 477, MedGen C0265336, MONDO:0007850, OMIM 148210.
Autosomal recessive nonsyndromic hearing loss 1A (DFNB1A). Also called: Deafness, autosomal recessive 1A; GJB2-Related Autosomal Recessive Nonsyndromic Hearing Loss; GJB6-Related DFNB 1 Nonsyndromic Hearing Loss and Deafness; Nonsyndromic Hearing Loss and Deafness, DFNB1; Connexin 26 deafness; Deafness nonsyndromic, Connexin 26 linked. Identifiers: Orphanet 90636, MedGen C2673759, MONDO:0009076, OMIM 220290.

Submissions (3):

Natera, Inc.
Classification: Pathogenic for Autosomal recessive deafness type 1A. Last evaluated: 2025-07-17. Review status: criteria provided, single submitter. Criteria: Natera Variant Classification Schema (03/2026). Collection method: clinical testing. Allele origin: germline.
Comment: The c.50C>T variant in GJB2 is a missense variant predicted to cause substitution of serine to phenylalanine at amino acid 17. This variant is rare in the general population with a frequency below the threshold expected for the associated phenotype(s). This variant has been observed in affected individual(s) with monoallelic occurrence (heterozygous/hemizygous) (PMID: 24531573, 17381453, 11912510). This variant has been confirmed as or assumed to be a de novo occurrence in one or more affected individuals (PMID: 24531573). Functional studies show that this variant may disrupt protein function (PMID: 20926451). Computational prediction algorithms indicate this variant is likely to affect gene or protein function. Given the available evidence, this variant is classified as Pathogenic.

Blueprint Genetics
Classification: Pathogenic for GJB2-related disorders. Last evaluated: 2024-10-04. Review status: criteria provided, single submitter. Criteria: ACMG Guidelines, 2015. Collection method: clinical testing. Allele origin: de novo. Affected: yes. Observed: 1 variant allele.

OMIM
Classification: Pathogenic for KERATITIS-ICHTHYOSIS-DEAFNESS SYNDROME, AUTOSOMAL DOMINANT. Last evaluated: 2002-05-01. Review status: no assertion criteria provided. Collection method: literature only. Allele origin: germline. Not counted in ClinVar's aggregate classification.

Literature cited by the submitters: PubMed 24531573 (cited by Natera, Inc.); PubMed 17381453 (cited by Natera, Inc.); PubMed 11912510 (cited by Natera, Inc. and OMIM); PubMed 20926451 (cited by Natera, Inc.).